The following is an entry in ClinVar:

ClinVar aggregate classification (germline): Likely benign. Review status: criteria provided, multiple submitters, no conflicts (2 of 4 stars). 3 submissions from 3 submitters: Likely benign (3). Last evaluated 2026-06-01.

Conditions:
Hereditary sensory neuropathy-deafness-dementia syndrome. Also called: HSN IE; NEUROPATHY, HEREDITARY SENSORY, WITH HEARING LOSS AND DEMENTIA; Hereditary Sensory and Autonomic Neuropathy Type 1E (HSAN1E); Hereditary sensory neuropathy type IE. Identifiers: Orphanet 456318, MedGen C3279885, MONDO:0013584, OMIM 614116.

gnomAD v4.1: 22 of 1,613,998 alleles (0.0014%); highest among the groups gnomAD compares: South Asian, 0.0022%; no homozygotes.

Submissions (3):

CeGaT Center for Human Genetics Tuebingen
Classification: Likely benign. Last evaluated: 2026-06-01. Review status: criteria provided, single submitter. Criteria: CeGaT Center For Human Genetics Tuebingen Variant Classification Criteria Version 2. Collection method: clinical testing. Allele origin: germline. Affected: yes. Observed: 1 variant allele.
Comment: DNMT1: BP4, BP7

Labcorp Genetics (formerly Invitae), Labcorp
Classification: Likely benign for Hereditary sensory neuropathy-deafness-dementia syndrome. Last evaluated: 2024-11-28. Review status: criteria provided, single submitter. Criteria: Invitae Variant Classification Sherloc (09022015). Collection method: clinical testing. Allele origin: germline.

Women's Health and Genetics/Laboratory Corporation of America, LabCorp
Classification: Likely benign. Last evaluated: 2024-07-22. Review status: criteria provided, single submitter. Criteria: LabCorp Variant Classification Summary - May 2015. Collection method: clinical testing. Allele origin: germline.

NM_001130823.3(DNMT1):c.354T>C (p.Arg118=)

Gene: DNMT1 (DNA methyltransferase 1; minus strand). Cytogenetic location: 19p13.2.
Variant type: single nucleotide variant.
Coding change: c.354T>C on transcript NM_001130823.3 (MANE Select); coding-DNA position 354, T replaced by C.
Protein change: p.Arg118=; no amino-acid change (arginine 118 retained).
Molecular consequence: synonymous variant. On other transcripts: 5 prime UTR variant (1).
Genome position (GRCh38, 1-based): chr19:10,180,441, A>G on the plus strand (T>C on the coding strand, the complement: DNMT1 is on the minus strand). VCF-style: chr19-10180441-A-G. GRCh37 (hg19) VCF-style: chr19-10291117-A-G.
Other names: c.354T>C, p.Arg118= (NM_001318730.2, NM_001379.4); c.-10T>C (NM_001318731.2).
Identifiers: ClinVar variation 3339426 (VCV003339426.5).